The following is an entry in ClinVar:

ClinVar aggregate classification (germline): Uncertain significance (1 of 4 stars; one submission).

Conditions:
NRP2-related disorder. Also called: NRP2-related condition.

gnomAD v4.1: 14 of 1,613,974 alleles (0.00087%); highest among the groups gnomAD compares: Middle Eastern, 0.016%; no homozygotes.

Submission:

PreventionGenetics, part of Exact Sciences
Classification: Uncertain significance for NRP2-related condition. Last evaluated: 2025-12-08. Review status: criteria provided, single submitter. Criteria: ACMG Guidelines, 2015. Collection method: clinical testing. Allele origin: germline.
Comment: The NRP2 c.1127G>A variant is predicted to result in the amino acid substitution p.Arg376Gln. To our knowledge, this variant has not been reported in the literature. This variant is reported in 0.0016% of alleles in individuals of European (Non-Finnish) descent in gnomAD. At this time, the clinical significance of this variant is uncertain due to the absence of conclusive functional and genetic evidence.

NM_003872.3(NRP2):c.1127G>A (p.Arg376Gln)

Gene: NRP2 (neuropilin 2; plus strand). Cytogenetic location: 2q33.3.
Variant type: single nucleotide variant.
Coding change: c.1127G>A on transcript NM_003872.3 (MANE Select); coding-DNA position 1127, G replaced by A.
Protein change: p.Arg376Gln; replaces arginine 376 with glutamine.
Molecular consequence: missense variant.
Genome position (GRCh38, 1-based): chr2:205,728,027, G>A. VCF-style: chr2-205728027-G-A. GRCh37 (hg19) VCF-style: chr2-206592751-G-A.
Other names: c.1127G>A, p.Arg376Gln (NM_018534.4, NM_201264.2, NM_201266.2 and 2 more transcripts); short protein forms R376Q.
Identifiers: ClinVar variation 4987748 (VCV004987748.1).